The following is an entry in ClinVar:

ClinVar aggregate classification (germline): Conflicting classifications of pathogenicity. Review status: criteria provided, conflicting classifications (1 of 4 stars). 9 submissions from 8 submitters: Likely pathogenic (5); Uncertain significance (3). 1 of the submissions does not count toward it. Last evaluated 2026-01-12.

Conditions:
Malignant hyperthermia, susceptibility to, 5 (MHS5). Also called: CACNA1S-Related Malignant Hyperthermia Susceptibility. Identifiers: Orphanet 423, MedGen C1866077, MONDO:0011163, OMIM 601887.
Hypokalemic periodic paralysis, type 1. Also called: HypoPP; Hypokalemic Periodic Paralysis Type 1 (AD). Identifiers: Orphanet 681, MedGen C3714580, MONDO:0042979, OMIM 170400.
Thyrotoxic periodic paralysis, susceptibility to, 1 (TTPP1). Identifiers: Orphanet 79102, MedGen C2749982, MONDO:0008570, OMIM 188580.
Congenital myopathy 18. Also called: Myopathy, congenital, due to dihydropyridine receptor defect; DIHYDROPYRIDINE RECEPTOR CONGENITAL MYOPATHY; DHPR CONGENITAL MYOPATHY. Identifiers: MedGen C5830283, MONDO:0859514, OMIM 620246.

Allele frequency attached by ClinVar (database versions not stated): gnomAD exomes below 0.00001; TOPMed below 0.00001; ExAC 0.00001; gnomAD 0.00001.
gnomAD v4.1: 55 of 1,614,018 alleles (0.0034%); highest among the groups gnomAD compares: Non-Finnish European, 0.0042%; no homozygotes.

Submissions (9):

Victorian Clinical Genetics Services, Murdoch Childrens Research Institute
Classification: Uncertain significance for Hypokalemic periodic paralysis, type 1. Last evaluated: 2026-01-12. Review status: criteria provided, single submitter. Criteria: ACMG Guidelines, 2015. Collection method: clinical testing. Allele origin: germline. Affected: yes.
Comment: This variant is classified as VUS-3A. Evidence in support of pathogenic classification: Variant is present in gnomAD <0.01 for a recessive condition (v4: 55 heterozygote(s), 0 homozygote(s)); This variant has strong previous evidence of pathogenicity in unrelated individuals. The variant has been reported in two patients with recessive congenital myopathy and ophthalmoplegia and one patient with dominant hypokalaemic periodic paralysis (PMID: 26247046, 28012042, 28325641). It has been classified as likely pathogenic by multiple laboratories and once as VUS in ClinVar; Missense variant predicted to be damaging by in silico tool(s) or highly conserved with a major amino acid change. Additional information: Variant is predicted to result in a missense amino acid change from Gln to His. RT-PCR confirmed this variant has a potential splicing defect with intron retention and may result in a truncated protein (PMID: 28012042); This variant is heterozygous; This gene is associated with both recessive and dominant disease. Hypokalemic periodic paralysis type 1 (MIM#170400) and malignant hyperthermia susceptibility 5 (MIM#601887) are usually missense variants inherited in a dominant manner, while congenital myopathy associated with loss of function variants is inherited in a recessive manner (PMID: 30499100, 28012042). (I) - Other missense variant(s) comparable to the one identified in this case have inconclusive previous evidence for pathogenicity. The variant p.(Gln1265Arg) has been classified as VUS by two laboratories in ClinVar. - Variant is located in the annotated ion transport domain (DECIPHER). - Loss of function is a known mechanism of disease in this gene and is associated with autosomal recessive congenital myopathy 18 due to dihydropyridine receptor defect (MIM#170400), whereas gain of function or dominant negative are suspected mechanism of disease in this gene that are associated with hypokalemic periodic paralysis type 1 (MIM#170400) and malignant hyperthermia susceptibility 5 (MIM#601887). (I) - The hypokalemic periodic paralysis associated with this gene has incomplete penetrance (PMID: 34777470). (I) - Inheritance information for this variant is not currently available in this individual.

GeneDx
Classification: Likely pathogenic. Last evaluated: 2026-01-10. Review status: criteria provided, single submitter. Criteria: GeneDx Variant Classification Process June 2021. Collection method: clinical testing. Allele origin: germline. Affected: yes.
Comment: Identified as heterozygous in a patient with hypokalemic periodic paralysis (PMID: 28325641); RNA studies demonstrate a damaging effect: inclusion of nucleotides from intron 30 causing a frameshift that is predicted to result in a loss of protein product (PMID: 28012042); In silico analysis supports a deleterious effect on splicing; In silico analysis supports that this missense variant has a deleterious effect on protein structure/function; Not observed at significant frequency in large population cohorts (gnomAD); Also known as p.Gln1265Hisfs*57; This variant is associated with the following publications: (PMID: 30476936, 37510268, 28325641, 26247046, 28012042, 39096151)

Labcorp Genetics (formerly Invitae), Labcorp
Classification: Likely pathogenic for Hypokalemic periodic paralysis, type 1; Malignant hyperthermia, susceptibility to, 5. Last evaluated: 2025-12-31. Review status: criteria provided, single submitter. Criteria: Invitae Variant Classification Sherloc (09022015). Collection method: clinical testing. Allele origin: germline.
Comment: This sequence change replaces glutamine, which is neutral and polar, with histidine, which is basic and polar, at codon 1265 of the CACNA1S protein (p.Gln1265His). This variant also falls at the last nucleotide of exon 30, which is part of the consensus splice site for this exon. This variant is present in population databases (rs201627041, gnomAD 0.0009%). This missense change has been observed in individual(s) with autosomal recessive congenital myopathy (PMID: 26247046, 28012042). In at least one individual the data is consistent with being in trans (on the opposite chromosome) from a pathogenic variant. This variant has been reported in individual(s) with autosomal dominant periodic paralysis (PMID: 28325641); however, the role of the variant in this condition is currently unclear. ClinVar contains an entry for this variant (Variation ID: 633684). Invitae Evidence Modeling of protein sequence and biophysical properties (such as structural, functional, and spatial information, amino acid conservation, physicochemical variation, residue mobility, and thermodynamic stability) has been performed for this missense variant. However, the output from this modeling did not meet the statistical confidence thresholds required to predict the impact of this variant on CACNA1S protein function. Variants that disrupt the consensus splice site are a relatively common cause of aberrant splicing (PMID: 17576681, 9536098). Algorithms developed to predict the effect of sequence changes on RNA splicing suggest that this variant may disrupt the consensus splice site. In summary, the currently available evidence indicates that the variant is pathogenic, but additional data are needed to prove that conclusively. Therefore, this variant has been classified as Likely Pathogenic.

All of Us Research Program, National Institutes of Health
Classification: Uncertain significance for Malignant hyperthermia, susceptibility to, 5. Last evaluated: 2024-07-29. Review status: criteria provided, single submitter. Criteria: ACMG Guidelines, 2015. Collection method: clinical testing. Allele origin: germline. Inheritance: Autosomal dominant inheritance. Observed: 9 variant alleles, 9 heterozygotes.
Comment: This missense variant replaces glutamine with histidine at codon 1265 of the CACNA1S protein. Computational prediction suggests that this variant may have deleterious impact on protein structure and function (internally defined REVEL score threshold >= 0.7, PMID: 27666373). To our knowledge, functional studies have not been reported for this variant. This variant has not been reported in individuals affected with autosomal dominant malignant hyperthermia in the literature, although it is associated with other phenotypes (ClinVar Variation ID: 633684; PMID: 26247046, 28012042, 28325641). This variant has been identified in 1/251406 chromosomes in the general population by the Genome Aggregation Database (gnomAD). Due to insufficient evidence, this variant is classified as a Variant of Uncertain Significance for autosomal dominant malignant hyperthermia.

This study involves interpretation of variants in research participants for the purpose of population health screening. Participant phenotype was not available at the time of variant classification. Additional details can be found in publication PMID: 35346344, PMCID: PMC8962531

Color Diagnostics, LLC DBA Color Health
Classification: Uncertain significance for Malignant hyperthermia, susceptibility to, 5. Last evaluated: 2024-07-22. Review status: criteria provided, single submitter. Criteria: ACMG Guidelines, 2015. Collection method: clinical testing. Allele origin: germline.
Comment: This missense variant replaces glutamine with histidine at codon 1265 of the CACNA1S protein. Computational prediction suggests that this variant may have deleterious impact on protein structure and function. To our knowledge, functional studies have not been reported for this variant. This variant has not been reported in individuals affected with autosomal dominant malignant hyperthermia in the literature, although it is associated with autosomal recessive congenital myopathy (ClinVar Variation ID: 633684PMID: 26247046, 28012042, 28325641). This variant has been identified in 1/251406 chromosomes in the general population by the Genome Aggregation Database (gnomAD). Due to insufficient evidence, this variant is classified as a Variant of Uncertain Significance for autosomal dominant malignant hyperthermia.

Fulgent Genetics
Classification: Likely pathogenic for Hypokalemic periodic paralysis, type 1; Thyrotoxic periodic paralysis, susceptibility to, 1; Malignant hyperthermia, susceptibility to, 5; Congenital myopathy 18. Last evaluated: 2024-06-18. Review status: criteria provided, single submitter. Criteria: ACMG Guidelines, 2015. Collection method: clinical testing. Allele origin: germline.

Genome-Nilou Lab
Classification: Likely pathogenic for Malignant hyperthermia, susceptibility to, 5. Last evaluated: 2023-04-11. Review status: criteria provided, single submitter. Criteria: ACMG Guidelines, 2015. Collection method: clinical testing. Allele origin: germline. Affected: no.

Genome-Nilou Lab
Classification: Likely pathogenic for Hypokalemic periodic paralysis, type 1. Last evaluated: 2023-04-11. Review status: criteria provided, single submitter. Criteria: ACMG Guidelines, 2015. Collection method: clinical testing. Allele origin: germline. Affected: no.

Gharavi Laboratory, Columbia University
Classification: Uncertain significance. Last evaluated: 2018-09-16. Review status: no assertion criteria provided. Criteria: ACMG Guidelines, 2015. Collection method: research. Allele origin: germline. Affected: no. Not counted in ClinVar's aggregate classification.

Literature cited by the submitters: PubMed 28325641 (cited by 3 submitters); PubMed 28012042 (cited by 3 submitters); PubMed 34777470 (cited by Victorian Clinical Genetics Services, Murdoch Childrens Research Institute); PubMed 26247046 (cited by 3 submitters); PubMed 30499100 (cited by Victorian Clinical Genetics Services, Murdoch Childrens Research Institute); PubMed 17576681 (cited by Labcorp Genetics (formerly Invitae), Labcorp); PubMed 9536098 (cited by Labcorp Genetics (formerly Invitae), Labcorp).

NM_000069.3(CACNA1S):c.3795G>T (p.Gln1265His)

Gene: CACNA1S (calcium voltage-gated channel subunit alpha1 S; minus strand). Cytogenetic location: 1q32.1.
Variant type: single nucleotide variant.
Coding change: c.3795G>T on transcript NM_000069.3 (MANE Select); coding-DNA position 3795, G replaced by T.
Protein change: p.Gln1265His; replaces glutamine 1265 with histidine.
Molecular consequence: missense variant.
Genome position (GRCh38, 1-based): chr1:201,053,459, C>A on the plus strand (G>T on the coding strand, the complement: CACNA1S is on the minus strand). VCF-style: chr1-201053459-C-A. GRCh37 (hg19) VCF-style: chr1-201022587-C-A.
Other names: short protein forms Q1265H.
Identifiers: ClinVar variation 633684 (VCV000633684.22), dbSNP rs201627041, ClinGen allele CA082845.
Genomic context (GRCh38, chr1:201,053,459, plus strand): 5'-GAGGCAGATGTCCCTAGTGGCCTCCCCAGGTACGTGCAGTTTCCAGGGTCCCTGTTGCAC[C>A]TGGAAGGACTTGATGAACGTCCACAGGAGGGTTCGCACTCCTTCTGCCCGGCTCAGCAGC-3'
Protein context (NP_000060.2, residues 1255-1275): TLLWTFIKSF[Gln1265His]ALPYVALLIV